The following is an entry in ClinVar:

NM_005045.4(RELN):c.2981T>G (p.Val994Gly)

Gene: RELN (reelin; minus strand). Cytogenetic location: 7q22.1.
Variant type: single nucleotide variant.
Coding change: c.2981T>G on transcript NM_005045.4 (MANE Select); coding-DNA position 2981, T replaced by G.
Protein change: p.Val994Gly; replaces valine 994 with glycine.
Molecular consequence: missense variant.
Genome position (GRCh38, 1-based): chr7:103,610,722, A>C on the plus strand (T>G on the coding strand, the complement: RELN is on the minus strand). VCF-style: chr7-103610722-A-C. GRCh37 (hg19) VCF-style: chr7-103251169-A-C.
Other names: c.2981T>G, p.Val994Gly (NM_173054.3); short protein forms V994G.
Identifiers: ClinVar variation 1984614 (VCV001984614.4), dbSNP rs1831932304, ClinGen allele CA368765637.

ClinVar aggregate classification (germline): Uncertain significance (1 of 4 stars; one submission).

Conditions:
Familial temporal lobe epilepsy 7. Identifiers: Orphanet 101046, MedGen C4225327, MONDO:0014639, OMIM 616436.
Norman-Roberts syndrome (LIS2). Also called: Lissencephaly 2 (Norman-Roberts type). Identifiers: Orphanet 89844, MedGen C0796089, MONDO:0009760, OMIM 257320.

Allele frequency attached by ClinVar (database versions not stated): TOPMed below 0.00001.

Submission:

Labcorp Genetics (formerly Invitae), Labcorp
Classification: Uncertain significance for Familial temporal lobe epilepsy 7; Norman-Roberts syndrome. Last evaluated: 2021-12-13. Review status: criteria provided, single submitter. Criteria: Invitae Variant Classification Sherloc (09022015). Collection method: clinical testing. Allele origin: germline.
Comment: This variant is not present in population databases (gnomAD no frequency). This sequence change replaces valine, which is neutral and non-polar, with glycine, which is neutral and non-polar, at codon 994 of the RELN protein (p.Val994Gly). This variant has not been reported in the literature in individuals affected with RELN-related conditions. In summary, the available evidence is currently insufficient to determine the role of this variant in disease. Therefore, it has been classified as a Variant of Uncertain Significance. Algorithms developed to predict the effect of missense changes on protein structure and function are either unavailable or do not agree on the potential impact of this missense change (SIFT: "Deleterious"; PolyPhen-2: "Benign"; Align-GVGD: "Class C0").